The following is an entry in ClinVar:

NM_001289104.2(PRKCSH):c.987GGA[3] (p.Glu332_Glu333del)

Gene: PRKCSH (PRKCSH beta subunit of glucosidase II; plus strand). Cytogenetic location: 19p13.2.
Variant type: Microsatellite.
Coding change: c.987GGA[3] on transcript NM_001289104.2 (MANE Select); three copies in a row of the 3-base unit GGA starting at c.987; the reference has five copies in a row; two copies, 6 bases deleted.
Protein change: p.Glu332_Glu333del.
Genome position (GRCh38, 1-based): chr19:11,447,585-11,447,590, GGAGGA deleted; deleting any 6 consecutive bases within chr19:11,447,574-11,447,590 gives the same sequence; the position shown is the placement nearest the transcript's 3' end. VCF-style (leftmost placement, unchanged base first): chr19-11447573-AGAGGAG-A. GRCh37 (hg19) VCF-style: chr19-11558388-AGAGGAG-A.
Other names: c.987GGA[3], p.Glu332_Glu333del (NM_001001329.3, NM_001289102.2, NM_001289103.2 and 3 more transcripts).
Identifiers: ClinVar variation 3637055 (VCV003637055.2).
Genomic context (GRCh38, chr19:11,447,573, plus strand): 5'-CTCGTCGCCCACAGAGGAGGAGGAGGAGGAGGAGGAGGAGGAGGAAGAAGAGGCTGAAGA[AGAGGAG>A]GAGGAGGAGGATTCCGAGGTGCAGGGGGAGCAGCCCAAGGTCCGTGTTTGGGGGAGAAGT-3'

ClinVar aggregate classification (germline): Uncertain significance (1 of 4 stars; one submission).

Submission:

Labcorp Genetics (formerly Invitae), Labcorp
Classification: Uncertain significance. Last evaluated: 2025-05-06. Review status: criteria provided, single submitter. Criteria: Invitae Variant Classification Sherloc (09022015). Collection method: clinical testing. Allele origin: germline.
Comment: This variant, c.996_1001del, results in the deletion of 2 amino acid(s) of the PRKCSH protein (p.Glu332_Glu333del), but otherwise preserves the integrity of the reading frame. The frequency data for this variant in the population databases is considered unreliable, as metrics indicate poor data quality at this position in the gnomAD database. This variant has not been reported in the literature in individuals affected with PRKCSH-related conditions. Experimental studies and prediction algorithms are not available or were not evaluated, and the functional significance of this variant is currently unknown. In summary, the available evidence is currently insufficient to determine the role of this variant in disease. Therefore, it has been classified as a Variant of Uncertain Significance.